The following is an entry in ClinVar:

ClinVar aggregate classification (germline): Benign. Review status: criteria provided, multiple submitters, no conflicts (2 of 4 stars). 3 submissions from 3 submitters: Benign (3). Last evaluated 2024-01-24.

Allele frequency attached by ClinVar (database versions not stated): TOPMed 0.90349; 1000 Genomes Project 0.92752; 1000 Genomes Project 30x 0.92817.
gnomAD v4.1: 1,086,526 of 1,217,742 alleles (89%); highest among the groups gnomAD compares: East Asian, 100%; 485,614 homozygotes.

Submissions (3):

Unidad de Genómica Garrahan, Hospital de Pediatría Garrahan
Classification: Benign. Last evaluated: 2024-01-24. Review status: criteria provided, single submitter. Criteria: ACMG Guidelines, 2015. Collection method: clinical testing. Allele origin: germline. Affected: no. Observed: 86 variant alleles.
Comment: This variant is classified as Benign based on local population frequency. This variant was detected in 91% of patients studied by a panel of primary immunodeficiencies. Number of patients: 86. Only high quality variants are reported.

GeneDx
Classification: Benign. Last evaluated: 2018-08-08. Review status: criteria provided, single submitter. Criteria: GeneDx Variant Classification Process June 2021. Collection method: clinical testing. Allele origin: germline. Affected: yes.

Breakthrough Genomics
Classification: Benign. Review status: criteria provided, single submitter. Criteria: ACMG Guidelines, 2015. Collection method: not provided. Allele origin: germline. Inheritance: Autosomal recessive inheritance. Affected: yes.

NM_000433.4(NCF2):c.1469-87A>C

Gene: NCF2 (neutrophil cytosolic factor 2; minus strand). Cytogenetic location: 1q25.3.
Variant type: single nucleotide variant.
Coding change: c.1469-87A>C on transcript NM_000433.4 (MANE Select); 87 bases into the intron before coding-DNA position 1469, A replaced by C.
Molecular consequence: intron variant.
Genome position (GRCh38, 1-based): chr1:183,556,317, T>G on the plus strand (A>C on the coding strand, the complement: NCF2 is on the minus strand). VCF-style: chr1-183556317-T-G. GRCh37 (hg19) VCF-style: chr1-183525452-T-G.
Other names: c.1469-87A>C (NM_001127651.3); c.1226-87A>C (NM_001190789.2); c.1334-87A>C (NM_001190794.2).
Identifiers: ClinVar variation 1226524 (VCV001226524.6), dbSNP rs699244, ClinGen allele CA34018058.